The following is an entry in ClinVar:

NM_000548.5(TSC2):c.1869C>G (p.Ala623=)

Gene: TSC2 (TSC complex subunit 2; plus strand). Cytogenetic location: 16p13.3.
Variant type: single nucleotide variant.
Coding change: c.1869C>G on transcript NM_000548.5 (MANE Select); coding-DNA position 1869, C replaced by G.
Protein change: p.Ala623=; no amino-acid change (alanine 623 retained).
Molecular consequence: synonymous variant.
Genome position (GRCh38, 1-based): chr16:2,071,539, C>G. VCF-style: chr16-2071539-C-G. GRCh37 (hg19) VCF-style: chr16-2121540-C-G.
Other names: c.1869C>G, p.Ala623= (NM_001077183.3, NM_001114382.3, NM_001363528.2 and 3 more transcripts); c.1758C>G, p.Ala586= (NM_001318827.2); c.1722C>G, p.Ala574= (NM_001318829.2); c.1269C>G, p.Ala423= (NM_001318831.2); c.1902C>G, p.Ala634= (NM_001318832.2).
Identifiers: ClinVar variation 378779 (VCV000378779.24), dbSNP rs111244727, ClinGen allele CA034268.
Genomic context (GRCh38, chr16:2,071,539, plus strand): 5'-GCTCTGGCTTTCACCATCCTCTTCCTGACAGGCCTTTGACTTCCTGTTGCTGCTGCGGGC[C>G]GACTCACTGCACCGCCTGGGCCTGCCCAACAAGGATGGAGTCGTGCGGTTCAGCCCCTAC-3'
Protein context (NP_000539.2, residues 613-633): QAFDFLLLLR[Ala623=]DSLHRLGLPN

ClinVar aggregate classification (germline): Benign/Likely benign. Review status: criteria provided, multiple submitters, no conflicts (2 of 4 stars). 8 submissions from 8 submitters: Benign (2); Likely benign (6). Last evaluated 2026-02-03.

Conditions:
Isolated focal cortical dysplasia type II (FCORD2). Also called: CORTICAL DYSPLASIA OF TAYLOR; Focal cortical dysplasia type II. Identifiers: Orphanet 268994, MedGen C1846385, MONDO:0011818, OMIM 607341, HP:0032051.
Lymphangiomyomatosis (LAM). Also called: Lymphangioleiomyomatosis, somatic; Lymphangioleiomyomatosis. Identifiers: Orphanet 538, MedGen C0751674, MONDO:0011705, OMIM 606690.
Tuberous sclerosis 2 (TSC2). Identifiers: Orphanet 805, MedGen C1860707, MONDO:0013199, OMIM 613254.
Hereditary cancer-predisposing syndrome. Also called: Hereditary neoplastic syndrome; Tumor predisposition; Neoplastic Syndromes, Hereditary; Hereditary Cancer Syndrome. Identifiers: Orphanet 140162, MedGen C0027672, MeSH D009386, MONDO:0015356.
Tuberous sclerosis syndrome (TSC). Also called: Tuberous sclerosis; Tuberous Sclerosis Complex. Identifiers: Orphanet 805, MedGen C0041341, MONDO:0001734.

Allele frequency attached by ClinVar (database versions not stated): TOPMed 0.00002.
gnomAD v4.1: 19 of 1,613,564 alleles (0.0012%); highest among the groups gnomAD compares: African/African-American, 0.02%; no homozygotes.

Submissions (8):

Labcorp Genetics (formerly Invitae), Labcorp
Classification: Likely benign for Tuberous sclerosis 2. Last evaluated: 2026-02-03. Review status: criteria provided, single submitter. Criteria: Invitae Variant Classification Sherloc (09022015). Collection method: clinical testing. Allele origin: germline.

Myriad Genetics, Inc.
Classification: Benign for Tuberous sclerosis 2. Last evaluated: 2025-05-16. Review status: criteria provided, single submitter. Criteria: Myriad Autosomal Dominant, Autosomal Recessive and X-Linked Classification Criteria (2023). Collection method: clinical testing. Allele origin: unknown.
Comment: This variant is considered benign. This variant is a silent/synonymous amino acid change and it is not expected to impact splicing.

All of Us Research Program, National Institutes of Health
Classification: Likely benign for Tuberous sclerosis syndrome. Last evaluated: 2024-02-05. Review status: criteria provided, single submitter. Criteria: ACMG Guidelines, 2015. Collection method: clinical testing. Allele origin: germline. Inheritance: Autosomal dominant inheritance. Observed: 3 variant alleles, 3 heterozygotes.
Comment: This study involves interpretation of variants in research participants for the purpose of population health screening. Participant phenotype was not available at the time of variant classification. Additional details can be found in publication PMID: 35346344, PMCID: PMC8962531

Color Diagnostics, LLC DBA Color Health
Classification: Likely benign for Tuberous sclerosis syndrome. Last evaluated: 2022-09-22. Review status: criteria provided, single submitter. Criteria: ACMG Guidelines, 2015. Collection method: clinical testing. Allele origin: germline.

Genome-Nilou Lab
Classification: Benign for Tuberous sclerosis 2. Last evaluated: 2021-11-07. Review status: criteria provided, single submitter. Criteria: ACMG Guidelines, 2015. Collection method: clinical testing. Allele origin: germline. Affected: no.

Fulgent Genetics
Classification: Likely benign for Lymphangiomyomatosis; Isolated focal cortical dysplasia type II; Tuberous sclerosis 2. Last evaluated: 2021-09-27. Review status: criteria provided, single submitter. Criteria: ACMG Guidelines, 2015. Collection method: clinical testing. Allele origin: unknown.

GeneDx
Classification: Likely benign. Last evaluated: 2019-04-15. Review status: criteria provided, single submitter. Criteria: GeneDx Variant Classification Process June 2021. Collection method: clinical testing. Allele origin: germline. Affected: yes.

Ambry Genetics
Classification: Likely benign for Hereditary cancer-predisposing syndrome. Last evaluated: 2017-07-26. Review status: criteria provided, single submitter. Criteria: Ambry Variant Classification Scheme 2023. Collection method: clinical testing. Allele origin: germline.